The following is an entry in ClinVar:

NM_032242.4(PLXNA1):c.1664G>A (p.Arg555His)

Gene: PLXNA1 (plexin A1; plus strand). Cytogenetic location: 3q21.3.
Variant type: single nucleotide variant.
Coding change: c.1664G>A on transcript NM_032242.4 (MANE Select); coding-DNA position 1664, G replaced by A.
Protein change: p.Arg555His; replaces arginine 555 with histidine.
Molecular consequence: missense variant.
Genome position (GRCh38, 1-based): chr3:127,004,929, G>A. VCF-style: chr3-127004929-G-A. GRCh37 (hg19) VCF-style: chr3-126723772-G-A.
Other names: short protein forms R555H.
Identifiers: ClinVar variation 2636135 (VCV002636135.3), dbSNP rs768279070, ClinGen allele CA2593326.
Genomic context (GRCh38, chr3:127,004,929, plus strand): 5'-ACCCCTCTGCCTGCAGCTGCTCGCGGCGGGACGCCTGTGAGCGAGCAGACGAGCCCCAGC[G>A]CTTTGCTGCGGACCTGCTGCAGTGTGTGCAGCTGACTGTGCAGCCCCGCAATGTGTCTGT-3'
Protein context (NP_115618.3, residues 545-565): DACERADEPQ[Arg555His]FAADLLQCVQ

ClinVar aggregate classification (germline): Uncertain significance. Review status: criteria provided, multiple submitters, no conflicts (2 of 4 stars). 2 submissions from 2 submitters: Uncertain significance (2). Last evaluated 2026-07-13.

Conditions:
PLXNA1-related disorder. Also called: PLXNA1-related condition.

Allele frequency attached by ClinVar (database versions not stated): ExAC 0.00001; gnomAD exomes 0.00001; gnomAD 0.00004; TOPMed 0.00005.
gnomAD v4.1: 24 of 1,608,490 alleles (0.0015%); highest among the groups gnomAD compares: Middle Eastern, 0.082%; no homozygotes.

Submissions (2):

PreventionGenetics, part of Exact Sciences
Classification: Uncertain significance for PLXNA1-related condition. Last evaluated: 2026-07-13. Review status: criteria provided, single submitter. Criteria: ACMG Guidelines, 2015. Collection method: clinical testing. Allele origin: germline.
Comment: The PLXNA1 c.1664G>A variant is predicted to result in the amino acid substitution p.Arg555His. To our knowledge, this variant has not been reported in the literature. This variant is reported in 0.0033% of alleles in individuals of South Asian descent in gnomAD. At this time, the clinical significance of this variant is uncertain due to the absence of conclusive functional and genetic evidence.

Ambry Genetics
Classification: Uncertain significance. Last evaluated: 2025-08-26. Review status: criteria provided, single submitter. Criteria: Ambry Variant Classification Scheme 2023. Collection method: clinical testing. Allele origin: germline.